The following is an entry in ClinVar:

NM_000444.6(PHEX):c.437-3C>G

Gene: PHEX (phosphate regulating endopeptidase X-linked; plus strand). Cytogenetic location: Xp22.11.
Variant type: single nucleotide variant.
Coding change: c.437-3C>G on transcript NM_000444.6 (MANE Select); 3 bases into the intron before coding-DNA position 437, C replaced by G.
Molecular consequence: intron variant.
Genome position (GRCh38, 1-based): chrX:22,077,473, C>G. VCF-style: chrX-22077473-C-G. GRCh37 (hg19) VCF-style: chrX-22095591-C-G.
Other names: c.437-3C>G (NM_001282754.2).
Identifiers: ClinVar variation 805128 (VCV000805128.10), dbSNP rs1602274684, ClinGen allele CA915950843.

ClinVar aggregate classification (germline): Uncertain significance. Review status: criteria provided, multiple submitters, no conflicts (2 of 4 stars). 2 submissions from 2 submitters: Uncertain significance (2). Last evaluated 2019-03-28.

Submissions (2):

Labcorp Genetics (formerly Invitae), Labcorp
Classification: Uncertain significance. Last evaluated: 2019-03-28. Review status: criteria provided, single submitter. Criteria: Invitae Variant Classification Sherloc (09022015). Collection method: clinical testing. Allele origin: germline.
Comment: In summary, the available evidence is currently insufficient to determine the role of this variant in disease. Therefore, it has been classified as a Variant of Uncertain Significance. Nucleotide substitutions within the consensus splice site are a relatively common cause of aberrant splicing (PMID: 17576681, 9536098). Algorithms developed to predict the effect of sequence changes on RNA splicing suggest that this variant may disrupt the consensus splice site, but this prediction has not been confirmed by published transcriptional studies. This variant has been observed in an individual affected with hypophosphatemic rickets (PMID: 19219621). This variant is not present in population databases (ExAC no frequency). This sequence change falls in intron 4 of the PHEX gene. It does not directly change the encoded amino acid sequence of the PHEX protein, but it affects a nucleotide within the consensus splice site of the intron.

Athena Diagnostics
Classification: Uncertain significance. Last evaluated: 2018-10-08. Review status: criteria provided, single submitter. Criteria: Athena Diagnostics Criteria. Collection method: clinical testing. Allele origin: germline.

Literature cited by the submitters: PubMed 17576681 (cited by Labcorp Genetics (formerly Invitae), Labcorp); PubMed 9536098 (cited by Labcorp Genetics (formerly Invitae), Labcorp); PubMed 19219621 (cited by Labcorp Genetics (formerly Invitae), Labcorp and Athena Diagnostics); PubMed 26107949 (cited by Athena Diagnostics).